The following is an entry in ClinVar:

NM_000384.3(APOB):c.3469T>C (p.Tyr1157His)

Gene: APOB (apolipoprotein B; minus strand). Cytogenetic location: 2p24.1.
Variant type: single nucleotide variant.
Coding change: c.3469T>C on transcript NM_000384.3 (MANE Select); coding-DNA position 3469, T replaced by C.
Protein change: p.Tyr1157His; replaces tyrosine 1157 with histidine.
Molecular consequence: missense variant.
Genome position (GRCh38, 1-based): chr2:21,015,409, A>G on the plus strand (T>C on the coding strand, the complement: APOB is on the minus strand). VCF-style: chr2-21015409-A-G. GRCh37 (hg19) VCF-style: chr2-21238281-A-G.
Other names: short protein forms Y1157H.
Identifiers: ClinVar variation 3127907 (VCV003127907.2), dbSNP rs2465387957, ClinGen allele CA346009021.
Genomic context (GRCh38, chr2:21,015,409, plus strand): 5'-CACAGGGGAAGAGACACATACCATAATGCCATGCCACCCTCTTGGAAACTGTGGAGCCAT[A>G]AGCTGTAGCAGATGAGTCCATTTGGAGAAGCAGTTTGGCAGGCGACCAGTGGGCGAGGAT-3'
Protein context (NP_000375.3, residues 1147-1167): LLQMDSSATA[Tyr1157His]GSTVSKRVAW

ClinVar aggregate classification (germline): Uncertain significance (1 of 4 stars; one submission).

Conditions:
Cardiovascular phenotype. Identifiers: MedGen CN230736.

Allele frequency attached by ClinVar (database versions not stated): gnomAD exomes below 0.00001.
gnomAD v4.1: 2 of 1,614,190 alleles (0.00012%); highest among the groups gnomAD compares: Non-Finnish European, 0.000085%; no homozygotes.

Submission:

Ambry Genetics
Classification: Uncertain significance for Cardiovascular phenotype. Last evaluated: 2026-09-11. Review status: criteria provided, single submitter. Criteria: Ambry Variant Classification Scheme 2023. Collection method: clinical testing. Allele origin: germline.
Comment: The p.Y1157H variant (also known as c.3469T>C), located in coding exon 22 of the APOB gene, results from a T to C substitution at nucleotide position 3469. The tyrosine at codon 1157 is replaced by histidine, an amino acid with similar properties. This amino acid position is conserved. In addition, this alteration is predicted to be tolerated by in silico analysis. Based on the available evidence, the clinical significance of this variant remains unclear.